The following is an entry in ClinVar:

NM_001478.5(B4GALNT1):c.263dup (p.Leu89fs)

Gene: B4GALNT1 (beta-1,4-N-acetyl-galactosaminyltransferase 1; minus strand). Cytogenetic location: 12q13.3.
Variant type: Duplication.
Coding change: c.263dup on transcript NM_001478.5 (MANE Select); coding-DNA position 263, one base duplicated (G; older notation c.263dupG).
Protein change: p.Leu89fs; shifts the reading frame from leucine 89.
Molecular consequence: frameshift variant. On other transcripts: intron variant (1).
Genome position (GRCh38, 1-based): chr12:57,631,320, C duplicated on the plus strand (G on the coding strand, the reverse complement: B4GALNT1 is on the minus strand); the first of 8 consecutive C bases (chr12:57,631,320-57,631,327); duplicating any one gives the same sequence. VCF-style (leftmost placement, unchanged base first): chr12-57631319-G-GC. GRCh37 (hg19) VCF-style: chr12-58025102-G-GC.
Other names: B4GALNT1, 1-BP DUP, 263G; p.Leu89Profs*13; c.263dupG (NM_001276469.1, NM_001478.4); c.263dup, p.Leu89fs (NM_001276469.2); c.219-234dup (NM_001276468.2); c.263dup (NM_001478.4); short protein forms L89fs.
Identifiers: ClinVar variation 60525 (VCV000060525.22), dbSNP rs745744124, ClinGen allele CA6655836.
Genomic context (GRCh38, chr12:57,631,319, plus strand): 5'-AGGGTCAAAGGCCTTGGTGAGGTCAATAGCTCGGACTTGTTTCTGGAAGGGGAGGGGGAG[G>GC]CCCCCCCCACTGGACTCACAACTGCAGTTGTTCCAAGCCAGCAGCCTGAAGGGGGTAGGT-3'

ClinVar aggregate classification (germline): Pathogenic/Likely pathogenic. Review status: criteria provided, multiple submitters, no conflicts (2 of 4 stars). 13 submissions from 13 submitters: Pathogenic (10); Likely pathogenic (1). 2 of the submissions do not count toward it. Last evaluated 2025-03-10.

Conditions:
B4GALNT1-related disorders.
Inborn genetic diseases. Identifiers: MedGen C0950123, MeSH D030342.
Hereditary spastic paraplegia. Also called: Familial spastic paraparesis. Identifiers: Orphanet 685, MedGen C0037773, MONDO:0019064. Disease mechanism: loss of function.
Hereditary spastic paraplegia 26 (SPG26). Also called: SPASTIC PARAPLEGIA 26, AUTOSOMAL RECESSIVE. Identifiers: Orphanet 101006, MedGen C1836632, MONDO:0012213, OMIM 609195.
Spastic paraplegia. Identifiers: MedGen C0037772, HP:0001258.

Submissions (13):

Labcorp Genetics (formerly Invitae), Labcorp
Classification: Pathogenic for Spastic paraplegia. Last evaluated: 2025-03-10. Review status: criteria provided, single submitter. Criteria: Invitae Variant Classification Sherloc (09022015). Collection method: clinical testing. Allele origin: germline.
Comment: This sequence change creates a premature translational stop signal (p.Leu89Profs*13) in the B4GALNT1 gene. It is expected to result in an absent or disrupted protein product. Loss-of-function variants in B4GALNT1 are known to be pathogenic (PMID: 23746551). The frequency data for this variant in the population databases is considered unreliable, as metrics indicate poor data quality at this position in the gnomAD database. This premature translational stop signal has been observed in individual(s) with hereditary spastic paraplegia (PMID: 23746551, 32214227). ClinVar contains an entry for this variant (Variation ID: 60525). For these reasons, this variant has been classified as Pathogenic.

Blueprint Genetics
Classification: Pathogenic for B4GALNT1-related disorders. Last evaluated: 2024-10-08. Review status: criteria provided, single submitter. Criteria: ACMG Guidelines, 2015. Collection method: clinical testing. Allele origin: germline. Affected: yes. Observed: 5 variant alleles.

Laboratory for Molecular Medicine, Mass General Brigham Personalized Medicine
Classification: Pathogenic for Hereditary spastic paraplegia 26. Last evaluated: 2024-02-07. Review status: criteria provided, single submitter. Criteria: ACMG Guidelines, 2015. Collection method: clinical testing. Allele origin: germline. Inheritance: Autosomal recessive inheritance.
Comment: The p.Leu89ProfsX13 variant in B4GALNT1 has been reported in the homozygous state, in at least 3 individuals with hereditary spastic paraplegia (Boukhris 2013 PMID: 23746551, Rose 2020 PMID: 31812852, Hengel 2020 PMID: 32214227). At least two of these individuals were from consanguineous parents. This variant has also been reported by other clinical laboratories in ClinVar (Variation ID 60525) and has been identified in 0.01% (5/67846) of European chromosomes by gnomAD (v3.1.2). This is consistent with the prevalence of the disease in the general population. In vitro functional studies provide some evidence that this variant impacts protein function as in vitro cell-free enzyme assays showed no residual enzyme activity for this variant (Bhuiyan 2019 PMID: 30521973). This variant is predicted to cause a frameshift, which alters the protein’s amino acid sequence beginning at position 89 and leads to a premature termination codon 13 amino acids downstream. This alteration is then predicted to lead to a truncated or absent protein. Biallelic loss of function of the B4GALNT1 gene is an established disease mechanism in autosomal recessive hereditary spastic paraplegia. In summary, this variant meets criteria to be classified as pathogenic for autosomal recessive hereditary spastic paraplegia. ACMG/AMP Criteria applied: PVS1, PM3, PM2_Supporting, PS3_Supporting.

Baylor Genetics
Classification: Pathogenic for Hereditary spastic paraplegia 26. Last evaluated: 2023-10-27. Review status: criteria provided, single submitter. Criteria: ACMG Guidelines, 2015. Collection method: clinical testing. Allele origin: unknown.

AURAGEN, Plan France Médecine Génomique
Classification: Pathogenic for Hereditary spastic paraplegia. Last evaluated: 2022-08-04. Review status: criteria provided, single submitter. Criteria: PFMG2025 (Lancet Reg Health Eur. 2025). Collection method: clinical testing. Allele origin: germline. Affected: yes.

Mayo Clinic Laboratories, Mayo Clinic
Classification: Pathogenic. Last evaluated: 2022-05-31. Review status: criteria provided, single submitter. Criteria: ACMG Guidelines, 2015. Collection method: clinical testing. Allele origin: germline. Observed: 1 variant allele.
Comment: PM2, PM3, PS3, PVS1

GeneDx
Classification: Likely pathogenic. Last evaluated: 2019-03-15. Review status: criteria provided, single submitter. Criteria: GeneDx Variant Classification (06012015). Collection method: clinical testing. Allele origin: germline. Affected: yes.
Comment: The c.263dupG variant in the B4GALNT1 gene has been reported previously in the homozygous state in an individual with hereditary spastic paraplegia with learning disability, lower limb spasticity and weakness, nystagmus, axonal sensitive neuropathy, white matter hyperintensities, and cerebral atrophy (Boukhris et al., 2013). The c.263dupG variant causes a frameshift starting with codon Leucine 89, changes this amino acid to a Proline residue, and creates a premature Stop codon at position 13 of the new reading frame, denoted p.Leu89ProfsX13. This variant is predicted to cause loss of normal protein function either through protein truncation or nonsense-mediated mRNA decay. The c.263dupG variant is not observed at a significant frequency in large population cohorts (Lek et al., 2016). We interpret c.263dupG as a likely pathogenic variant.

Knight Diagnostic Laboratories, Oregon Health and Sciences University
Classification: Pathogenic for Spastic paraplegia 26, autosomal recessive. Last evaluated: 2019-02-22. Review status: criteria provided, single submitter. Criteria: ACMG Guidelines, 2015. Collection method: clinical testing. Allele origin: germline. Observed: 1 variant allele.

Ambry Genetics
Classification: Pathogenic for Inborn genetic diseases. Last evaluated: 2017-03-14. Review status: criteria provided, single submitter. Criteria: Ambry exome assertion method (8-5-2015). Collection method: clinical testing. Allele origin: germline. Affected: yes. Observed: 1 variant allele.

Genomics England Pilot Project, Genomics England
Classification: Pathogenic for Hereditary spastic paraplegia 26. Review status: criteria provided, single submitter. Criteria: ACGS Guidelines, 2016. Collection method: clinical testing. Allele origin: germline. Affected: yes.

Juno Genomics, Hangzhou Juno Genomics, Inc
Classification: Pathogenic for Hereditary spastic paraplegia 26. Review status: criteria provided, single submitter. Criteria: ACMG Guidelines, 2015. Collection method: clinical testing. Allele origin: germline. Affected: yes.
Comment: Null variant in a gene where loss of function (LOF) is a known mechanism of disease.;For recessive disorders, detected in trans with a pathogenic variant.;Absent from controls (or at extremely low frequency if recessive) in Genome Aggregation Database, Exome Sequencing Project, 1000 Genomes Project, or Exome Aggregation Consortium.

Section for Clinical Neurogenetics, University of Tübingen
Classification: Likely pathogenic for Hereditary spastic paraplegia 26. Last evaluated: 2019-08-01. Review status: no assertion criteria provided. Collection method: research. Allele origin: germline. Affected: yes. Not counted in ClinVar's aggregate classification.

OMIM
Classification: Pathogenic for SPASTIC PARAPLEGIA 26, AUTOSOMAL RECESSIVE. Last evaluated: 2013-07-11. Review status: no assertion criteria provided. Collection method: literature only. Allele origin: germline. Not counted in ClinVar's aggregate classification.

Literature cited by the submitters: PubMed 23746551 (cited by 4 submitters); PubMed 32214227 (cited by 4 submitters); PubMed 30521973 (cited by Laboratory for Molecular Medicine, Mass General Brigham Personalized Medicine and Mayo Clinic Laboratories, Mayo Clinic); PubMed 31812852 (cited by Laboratory for Molecular Medicine, Mass General Brigham Personalized Medicine and Mayo Clinic Laboratories, Mayo Clinic); PubMed 28709807 (cited by Mayo Clinic Laboratories, Mayo Clinic); PubMed 29983310 (cited by Mayo Clinic Laboratories, Mayo Clinic).